The following is an entry in ClinVar:

ClinVar aggregate classification (germline): Uncertain significance (1 of 4 stars; one submission).

Conditions:
Charcot-Marie-Tooth disease type 4. Also called: Charcot-Marie-Tooth disease, type IV; Charcot-Marie-Tooth, Type 4. Identifiers: Orphanet 64749, MedGen C4082197, MONDO:0018995.

Allele frequency attached by ClinVar (database versions not stated): gnomAD 0.00001; gnomAD exomes 0.00001; TOPMed 0.00001; ExAC 0.00002.
gnomAD v4.1: 15 of 1,613,930 alleles (0.00093%); highest among the groups gnomAD compares: East Asian, 0.0067%; no homozygotes.

Submission:

Labcorp Genetics (formerly Invitae), Labcorp
Classification: Uncertain significance for Charcot-Marie-Tooth disease type 4. Last evaluated: 2021-08-30. Review status: criteria provided, single submitter. Criteria: Invitae Variant Classification Sherloc (09022015). Collection method: clinical testing. Allele origin: germline.
Comment: This sequence change replaces asparagine with serine at codon 1723 of the SBF2 protein (p.Asn1723Ser). The asparagine residue is highly conserved and there is a small physicochemical difference between asparagine and serine. This variant is present in population databases (rs752274961, ExAC 0.01%). This variant has not been reported in the literature in individuals affected with SBF2-related conditions. Algorithms developed to predict the effect of missense changes on protein structure and function (SIFT, PolyPhen-2, Align-GVGD) all suggest that this variant is likely to be tolerated. Algorithms developed to predict the effect of sequence changes on RNA splicing suggest that this variant may create or strengthen a splice site. In summary, the available evidence is currently insufficient to determine the role of this variant in disease. Therefore, it has been classified as a Variant of Uncertain Significance.

NM_030962.4(SBF2):c.5168A>G (p.Asn1723Ser)

Genes: SBF2 (SET binding factor 2; minus strand), SBF2-AS1 (SBF2 antisense RNA 1; plus strand), LOC105369149 (uncharacterized LOC105369149; plus strand). Cytogenetic location: 11p15.4.
Variant type: single nucleotide variant.
Coding change: c.5168A>G on transcript NM_030962.4 (MANE Select); coding-DNA position 5168, A replaced by G.
Protein change: p.Asn1723Ser; replaces asparagine 1723 with serine.
Molecular consequence: missense variant.
Genome position (GRCh38, 1-based): chr11:9,785,188, T>C on the plus strand (A>G on the coding strand, the complement: SBF2 is on the minus strand). VCF-style: chr11-9785188-T-C. GRCh37 (hg19) VCF-style: chr11-9806735-T-C.
Other names: c.5264A>G, p.Asn1755Ser (NM_001386339.1); c.5039A>G, p.Asn1680Ser (NM_001386342.1); short protein forms N1680S, N1755S, N1723S.
Identifiers: ClinVar variation 1500354 (VCV001500354.5), dbSNP rs752274961, ClinGen allele CA5880779.